The following is an entry in ClinVar:

NM_001846.4(COL4A2):c.1062C>G (p.His354Gln)

Gene: COL4A2 (collagen type IV alpha 2 chain; plus strand). Cytogenetic location: 13q34.
Variant type: single nucleotide variant.
Coding change: c.1062C>G on transcript NM_001846.4 (MANE Select); coding-DNA position 1062, C replaced by G.
Protein change: p.His354Gln; replaces histidine 354 with glutamine.
Molecular consequence: missense variant.
Genome position (GRCh38, 1-based): chr13:110,446,848, C>G. VCF-style: chr13-110446848-C-G. GRCh37 (hg19) VCF-style: chr13-111099195-C-G.
Other names: short protein forms H354Q.
Identifiers: ClinVar variation 1716739 (VCV001716739.5), dbSNP rs2502088716, ClinGen allele CA388733451.

ClinVar aggregate classification (germline): Uncertain significance (1 of 4 stars; one submission).

Submission:

Labcorp Genetics (formerly Invitae), Labcorp
Classification: Uncertain significance. Last evaluated: 2022-08-19. Review status: criteria provided, single submitter. Criteria: Invitae Variant Classification Sherloc (09022015). Collection method: clinical testing. Allele origin: germline.
Comment: This sequence change replaces histidine, which is basic and polar, with glutamine, which is neutral and polar, at codon 354 of the COL4A2 protein (p.His354Gln). This variant is not present in population databases (gnomAD no frequency). This variant has not been reported in the literature in individuals affected with COL4A2-related conditions. Advanced modeling of protein sequence and biophysical properties (such as structural, functional, and spatial information, amino acid conservation, physicochemical variation, residue mobility, and thermodynamic stability) performed at Invitae indicates that this missense variant is not expected to disrupt COL4A2 protein function. In summary, the available evidence is currently insufficient to determine the role of this variant in disease. Therefore, it has been classified as a Variant of Uncertain Significance.